The following is an entry in ClinVar:

ClinVar aggregate classification (germline): Uncertain significance (1 of 4 stars; one submission).

Conditions:
Inborn genetic diseases. Identifiers: MedGen C0950123, MeSH D030342.

Submission:

Ambry Genetics
Classification: Uncertain significance for Inborn genetic diseases. Last evaluated: 2024-10-14. Review status: criteria provided, single submitter. Criteria: Ambry Variant Classification Scheme 2023. Collection method: clinical testing. Allele origin: germline.
Comment: The p.C656W variant (also known as c.1968T>G), located in coding exon 15 of the BUB1B gene, results from a T to G substitution at nucleotide position 1968. The cysteine at codon 656 is replaced by tryptophan, an amino acid with highly dissimilar properties. This amino acid position is conserved. In addition, this alteration is predicted to be tolerated by in silico analysis. Based on the available evidence, the clinical significance of this variant remains unclear.

NM_001211.6(BUB1B):c.1968T>G (p.Cys656Trp)

Gene: BUB1B (BUB1 mitotic checkpoint serine/threonine kinase B; plus strand). Cytogenetic location: 15q15.1.
Variant type: single nucleotide variant.
Coding change: c.1968T>G on transcript NM_001211.6 (MANE Select); coding-DNA position 1968, T replaced by G.
Protein change: p.Cys656Trp; replaces cysteine 656 with tryptophan.
Molecular consequence: missense variant.
Genome position (GRCh38, 1-based): chr15:40,206,417, T>G. VCF-style: chr15-40206417-T-G. GRCh37 (hg19) VCF-style: chr15-40498618-T-G.
Other names: short protein forms C656W.
Identifiers: ClinVar variation 3483215 (VCV003483215.1).
Genomic context (GRCh38, chr15:40,206,417, plus strand): 5'-GAGACTGTTACCGGAAGAAGATCTAGATGTAAAGACCTCTGAGGACCAGCAGACAGCTTG[T>G]GGCACTATCTACAGTCAGACTCTCAGCATCAAGAAGCTGAGGTGATTGGGGATTTACAGG-3'
Protein context (NP_001202.5, residues 646-666): VKTSEDQQTA[Cys656Trp]GTIYSQTLSI